The following is an entry in ClinVar:

ClinVar aggregate classification (germline): Uncertain significance (1 of 4 stars; one submission).

Allele frequency attached by ClinVar (database versions not stated): gnomAD exomes 0.00002 and 0.00009; ExAC 0.00008; ESP Exome Variant Server 0.00015; 1000 Genomes Project 0.00020; 1000 Genomes Project 30x 0.00031; gnomAD 0.00036 and 0.00039; TOPMed 0.00040.
gnomAD v4.1: 92 of 1,614,150 alleles (0.0057%); highest among the groups gnomAD compares: African/African-American, 0.11%; no homozygotes.

Submission:

Labcorp Genetics (formerly Invitae), Labcorp
Classification: Uncertain significance. Last evaluated: 2023-05-15. Review status: criteria provided, single submitter. Criteria: Invitae Variant Classification Sherloc (09022015). Collection method: clinical testing. Allele origin: germline.
Comment: This sequence change replaces alanine, which is neutral and non-polar, with valine, which is neutral and non-polar, at codon 360 of the SERPINF1 protein (p.Ala360Val). In summary, the available evidence is currently insufficient to determine the role of this variant in disease. Therefore, it has been classified as a Variant of Uncertain Significance. Advanced modeling of protein sequence and biophysical properties (such as structural, functional, and spatial information, amino acid conservation, physicochemical variation, residue mobility, and thermodynamic stability) performed at Invitae indicates that this missense variant is not expected to disrupt SERPINF1 protein function. ClinVar contains an entry for this variant (Variation ID: 1362340). This variant has not been reported in the literature in individuals affected with SERPINF1-related conditions. This variant is present in population databases (rs146075681, gnomAD 0.1%).

NM_002615.7(SERPINF1):c.1079C>T (p.Ala360Val)

Gene: SERPINF1 (serpin family F member 1; plus strand). Cytogenetic location: 17p13.3.
Variant type: single nucleotide variant.
Coding change: c.1079C>T on transcript NM_002615.7 (MANE Select); coding-DNA position 1079, C replaced by T.
Protein change: p.Ala360Val; replaces alanine 360 with valine.
Molecular consequence: missense variant.
Genome position (GRCh38, 1-based): chr17:1,777,268, C>T. VCF-style: chr17-1777268-C-T. GRCh37 (hg19) VCF-style: chr17-1680562-C-T.
Other names: c.1079C>T, p.Ala360Val (NM_001329903.2); c.518C>T, p.Ala173Val (NM_001329904.2, NM_001329905.2); short protein forms A360V, A173V.
Identifiers: ClinVar variation 1362340 (VCV001362340.6), dbSNP rs146075681, ClinGen allele CA8274951.